The following is an entry in ClinVar:

NM_005035.4(POLRMT):c.465G>A (p.Ala155=)

Gene: POLRMT (RNA polymerase mitochondrial; minus strand). Cytogenetic location: 19p13.3.
Variant type: single nucleotide variant.
Coding change: c.465G>A on transcript NM_005035.4 (MANE Select); coding-DNA position 465, G replaced by A.
Protein change: p.Ala155=; no amino-acid change (alanine 155 retained).
Molecular consequence: synonymous variant.
Genome position (GRCh38, 1-based): chr19:629,897, C>T on the plus strand (G>A on the coding strand, the complement: POLRMT is on the minus strand). VCF-style: chr19-629897-C-T. GRCh37 (hg19) VCF-style: chr19-629897-C-T.
Identifiers: ClinVar variation 773770 (VCV000773770.28), dbSNP rs144975902, ClinGen allele CA9020729.

ClinVar aggregate classification (germline): Benign/Likely benign. Review status: criteria provided, multiple submitters, no conflicts (2 of 4 stars). 3 submissions from 3 submitters: Benign (2); Likely benign (1). Last evaluated 2026-09-01.

Allele frequency attached by ClinVar (database versions not stated): 1000 Genomes Project 0.00260; 1000 Genomes Project 30x 0.00297; gnomAD 0.00408 and 0.00415; TOPMed 0.00435; ESP Exome Variant Server 0.00470.

Submissions (3):

CeGaT Center for Human Genetics Tuebingen
Classification: Likely benign. Last evaluated: 2026-09-01. Review status: criteria provided, single submitter. Criteria: CeGaT Center For Human Genetics Tuebingen Variant Classification Criteria Version 2. Collection method: clinical testing. Allele origin: germline. Affected: yes. Observed: 12 variant alleles.
Comment: POLRMT: BP4, BP7, BS2

Labcorp Genetics (formerly Invitae), Labcorp
Classification: Benign. Last evaluated: 2018-06-08. Review status: criteria provided, single submitter. Criteria: Invitae Variant Classification Sherloc (09022015). Collection method: clinical testing. Allele origin: germline.

Breakthrough Genomics
Classification: Benign. Review status: criteria provided, single submitter. Criteria: ACMG Guidelines, 2015. Collection method: not provided. Allele origin: germline. Inheritance: Autosomal recessive inheritance. Affected: yes.